The following is an entry in ClinVar:

ClinVar aggregate classification (germline): Uncertain significance (1 of 4 stars; one submission).

Conditions:
Hyperphosphatasia with impaired intellectual development syndrome 2. Also called: GLYCOSYLPHOSPHATIDYLINOSITOL BIOSYNTHESIS DEFECT 6; Hyperphosphatasia with intellectual disability syndrome 2. Identifiers: Orphanet 247262, MedGen C3553637, MONDO:0013882, OMIM 614749.

Submission:

Labcorp Genetics (formerly Invitae), Labcorp
Classification: Uncertain significance for Hyperphosphatasia with impaired intellectual development syndrome 2. Last evaluated: 2023-08-17. Review status: criteria provided, single submitter. Criteria: Invitae Variant Classification Sherloc (09022015). Collection method: clinical testing. Allele origin: germline.
Comment: In summary, the available evidence is currently insufficient to determine the role of this variant in disease. Therefore, it has been classified as a Variant of Uncertain Significance. Experimental studies and prediction algorithms are not available or were not evaluated, and the functional significance of this variant is currently unknown. This variant has not been reported in the literature in individuals affected with PIGO-related conditions. This variant is present in population databases (rs766703716, gnomAD 0.004%). This variant, c.2845_2847del, results in the deletion of 1 amino acid(s) of the PIGO protein (p.Leu949del), but otherwise preserves the integrity of the reading frame.

NM_032634.4(PIGO):c.2842CTC[1] (p.Leu949del)

Gene: PIGO (phosphatidylinositol glycan anchor biosynthesis class O; minus strand). Cytogenetic location: 9p13.3.
Variant type: Microsatellite.
Coding change: c.2842CTC[1] on transcript NM_032634.4 (MANE Select); one copy of the 3-base unit CTC starting at c.2842; the reference has two copies in a row; one copy, 3 bases deleted.
Protein change: p.Leu949del; deletes leucine 949.
Molecular consequence: inframe deletion.
Genome position (GRCh38, 1-based): chr9:35,090,473-35,090,475, GAG deleted on the plus strand (CTC on the coding strand, the reverse complement: PIGO is on the minus strand); deleting any 3 consecutive bases within chr9:35,090,473-35,090,479 gives the same sequence; the position shown is the placement nearest the transcript's 3' end. VCF-style (leftmost placement, unchanged base first): chr9-35090472-AGAG-A. GRCh37 (hg19) VCF-style: chr9-35090469-AGAG-A.
Other names: c.1591CTC[1], p.Leu532del (NM_001201484.2, NM_152850.4); short protein forms L532del, L949del.
Identifiers: ClinVar variation 1968629 (VCV001968629.5), dbSNP rs766703716, ClinGen allele CA5040328.
Genomic context (GRCh38, chr9:35,090,472, plus strand): 5'-TCTTTCCACAAAGCCAGAGTAAACAATGGAAGCAAGTGAAGGAGGAGGGGGTACCTGCAA[AGAG>A]GAGGTGGGAGGCAAAGGTGTTGGCTCCCACTAGCAAAGCAGGCAGCCAAGTACAGGAGCC-3'